The following is an entry in ClinVar:

ClinVar aggregate classification (germline): Uncertain significance (1 of 4 stars; one submission).

Conditions:
Hereditary breast ovarian cancer syndrome. Also called: Hereditary breast and ovarian cancer syndrome; Hereditary breast and ovarian cancer syndrome (HBOC); BRCA1- and BRCA2-Associated Hereditary Breast and Ovarian Cancer; Hereditary breast and ovarian cancer; Breast and ovarian cancer; Hereditary breast and/or ovarian cancer syndrome. Identifiers: Orphanet 145, MedGen C0677776, MeSH D061325, MONDO:0003582. Disease mechanism: loss of function.

Submission:

Labcorp Genetics (formerly Invitae), Labcorp
Classification: Uncertain significance for Hereditary breast ovarian cancer syndrome. Last evaluated: 2024-05-29. Review status: criteria provided, single submitter. Criteria: Invitae Variant Classification Sherloc (09022015). Collection method: clinical testing. Allele origin: germline.
Comment: This sequence change replaces glutamine, which is neutral and polar, with glutamic acid, which is acidic and polar, at codon 2163 of the BRCA2 protein (p.Gln2163Glu). This variant is not present in population databases (gnomAD no frequency). This variant has not been reported in the literature in individuals affected with BRCA2-related conditions. Advanced modeling of protein sequence and biophysical properties (such as structural, functional, and spatial information, amino acid conservation, physicochemical variation, residue mobility, and thermodynamic stability) performed at Invitae indicates that this missense variant is not expected to disrupt BRCA2 protein function with a negative predictive value of 95%. In summary, the available evidence is currently insufficient to determine the role of this variant in disease. Therefore, it has been classified as a Variant of Uncertain Significance.

NM_000059.4(BRCA2):c.6487C>G (p.Gln2163Glu)

Gene: BRCA2 (BRCA2 DNA repair associated; plus strand). Cytogenetic location: 13q13.1.
Variant type: single nucleotide variant.
Coding change: c.6487C>G on transcript NM_000059.4 (MANE Select); coding-DNA position 6487, C replaced by G.
Protein change: p.Gln2163Glu; replaces glutamine 2163 with glutamic acid.
Molecular consequence: missense variant. On other transcripts: non-coding transcript variant (1), intron variant (2).
Genome position (GRCh38, 1-based): chr13:32,340,842, C>G. VCF-style: chr13-32340842-C-G. GRCh37 (hg19) VCF-style: chr13-32914979-C-G.
Other names: c.6487C>G, p.Gln2163Glu (NM_001406719.1, NM_001406720.1, NM_001432077.1); c.1910-3716C>G (NM_001406721.1); c.425-3716C>G (NM_001406722.1); short protein forms Q2163E.
Identifiers: ClinVar variation 3636508 (VCV003636508.2).